The following is an entry in ClinVar:

NM_017636.4(TRPM4):c.2799C>A (p.Phe933Leu)

Gene: TRPM4 (transient receptor potential cation channel subfamily M member 4; plus strand). Cytogenetic location: 19q13.33.
Variant type: single nucleotide variant.
Coding change: c.2799C>A on transcript NM_017636.4 (MANE Select); coding-DNA position 2799, C replaced by A.
Protein change: p.Phe933Leu; replaces phenylalanine 933 with leucine.
Molecular consequence: missense variant.
Genome position (GRCh38, 1-based): chr19:49,200,631, C>A. VCF-style: chr19-49200631-C-A. GRCh37 (hg19) VCF-style: chr19-49703888-C-A.
Other names: c.2364C>A, p.Phe788Leu (NM_001195227.2); c.2454C>A, p.Phe818Leu (NM_001321281.2); c.1191C>A, p.Phe397Leu (NM_001321282.2); c.2277C>A, p.Phe759Leu (NM_001321283.2); c.1737C>A, p.Phe579Leu (NM_001321285.2); short protein forms F759L, F788L, F933L, F579L, F397L, F818L.
Identifiers: ClinVar variation 4722914 (VCV004722914.1).

ClinVar aggregate classification (germline): Uncertain significance (1 of 4 stars; one submission).

Conditions:
Progressive familial heart block type IB (PFHB1B). Identifiers: Orphanet 871, MedGen C1970298, MONDO:0011474, OMIM 604559.

Submission:

Labcorp Genetics (formerly Invitae), Labcorp
Classification: Uncertain significance for Progressive familial heart block type IB. Last evaluated: 2025-07-09. Review status: criteria provided, single submitter. Criteria: Invitae Variant Classification Sherloc (09022015). Collection method: clinical testing. Allele origin: germline.
Comment: This sequence change replaces phenylalanine, which is neutral and non-polar, with leucine, which is neutral and non-polar, at codon 933 of the TRPM4 protein (p.Phe933Leu). This variant is not present in population databases (gnomAD no frequency). This variant has not been reported in the literature in individuals affected with TRPM4-related conditions. An algorithm developed to predict the effect of missense changes on protein structure and function (PolyPhen-2) suggests that this variant is likely to be disruptive. In summary, the available evidence is currently insufficient to determine the role of this variant in disease. Therefore, it has been classified as a Variant of Uncertain Significance.